The following is an entry in ClinVar:

ClinVar aggregate classification (germline): Likely benign. Review status: criteria provided, single submitter (1 of 4 stars). 2 submissions from 2 submitters: Likely benign (1). 1 of the submissions does not count toward it. Last evaluated 2023-07-23.

Conditions:
Inborn genetic diseases. Identifiers: MedGen C0950123, MeSH D030342.
ATR-related disorder. Also called: ATR-related condition.

Submissions (2):

Ambry Genetics
Classification: Likely benign for Inborn genetic diseases. Last evaluated: 2023-07-23. Review status: criteria provided, single submitter. Criteria: Ambry Variant Classification Scheme 2023. Collection method: clinical testing. Allele origin: germline.

PreventionGenetics, part of Exact Sciences
Classification: Likely benign for ATR-related condition. Last evaluated: 2022-12-01. Review status: no assertion criteria provided. Collection method: clinical testing. Allele origin: germline. Not counted in ClinVar's aggregate classification.
Comment: This variant is classified as likely benign based on ACMG/AMP sequence variant interpretation guidelines (Richards et al. 2015 PMID: 25741868, with internal and published modifications).

NM_001184.4(ATR):c.3147A>G (p.Leu1049=)

Gene: ATR (ATR checkpoint kinase; minus strand). Cytogenetic location: 3q23.
Variant type: single nucleotide variant.
Coding change: c.3147A>G on transcript NM_001184.4 (MANE Select); coding-DNA position 3147, A replaced by G.
Protein change: p.Leu1049=; no amino-acid change (leucine 1049 retained).
Molecular consequence: synonymous variant.
Genome position (GRCh38, 1-based): chr3:142,549,503, T>C on the plus strand (A>G on the coding strand, the complement: ATR is on the minus strand). VCF-style: chr3-142549503-T-C. GRCh37 (hg19) VCF-style: chr3-142268345-T-C.
Other names: c.2955A>G, p.Leu985= (NM_001354579.2).
Identifiers: ClinVar variation 2614139 (VCV002614139.4), dbSNP rs2473363612, ClinGen allele CA436124766.